The following is an entry in ClinVar:

NM_001042492.3(NF1):c.3550A>C (p.Thr1184Pro)

Gene: NF1 (neurofibromin 1; plus strand). Cytogenetic location: 17q11.2.
Variant type: single nucleotide variant.
Coding change: c.3550A>C on transcript NM_001042492.3 (MANE Select); coding-DNA position 3550, A replaced by C.
Protein change: p.Thr1184Pro; replaces threonine 1184 with proline.
Molecular consequence: missense variant.
Genome position (GRCh38, 1-based): chr17:31,233,055, A>C. VCF-style: chr17-31233055-A-C. GRCh37 (hg19) VCF-style: chr17-29560073-A-C.
Other names: c.3550A>C, p.Thr1184Pro (NM_000267.4); short protein forms T1184P.
Identifiers: ClinVar variation 1692330 (VCV001692330.3), dbSNP rs2151435398, ClinGen allele CA398989990.

ClinVar aggregate classification (germline): Uncertain significance. Review status: criteria provided, multiple submitters, no conflicts (2 of 4 stars). 2 submissions from 2 submitters: Uncertain significance (2). Last evaluated 2024-10-27.

Conditions:
Hereditary cancer-predisposing syndrome. Also called: Neoplastic Syndromes, Hereditary; Hereditary Cancer Syndrome; Tumor predisposition; Hereditary neoplastic syndrome. Identifiers: Orphanet 140162, MedGen C0027672, MeSH D009386, MONDO:0015356.
Neurofibromatosis, type 1 (NF1). Also called: VON RECKLINGHAUSEN DISEASE; NEUROFIBROMATOSIS, TYPE I, SOMATIC; Peripheral type neurofibromatosis; Neurofibromatosis, type I. Identifiers: Orphanet 636, MedGen C0027831, MONDO:0018975, OMIM 162200. Disease mechanism: loss of function.

gnomAD v4.1: 1 of 1,614,254 alleles (0.000062%); highest among the groups gnomAD compares: Non-Finnish European, 0.000085%; no homozygotes.

Submissions (2):

Labcorp Genetics (formerly Invitae), Labcorp
Classification: Uncertain significance for Neurofibromatosis, type 1. Last evaluated: 2024-10-27. Review status: criteria provided, single submitter. Criteria: Invitae Variant Classification Sherloc (09022015). Collection method: clinical testing. Allele origin: germline.
Comment: This sequence change replaces threonine, which is neutral and polar, with proline, which is neutral and non-polar, at codon 1184 of the NF1 protein (p.Thr1184Pro). This variant is not present in population databases (gnomAD no frequency). This variant has not been reported in the literature in individuals affected with NF1-related conditions. ClinVar contains an entry for this variant (Variation ID: 1692330). Invitae Evidence Modeling of protein sequence and biophysical properties (such as structural, functional, and spatial information, amino acid conservation, physicochemical variation, residue mobility, and thermodynamic stability) indicates that this missense variant is expected to disrupt NF1 protein function with a positive predictive value of 95%. In summary, the available evidence is currently insufficient to determine the role of this variant in disease. Therefore, it has been classified as a Variant of Uncertain Significance.

Sema4
Classification: Uncertain significance for Hereditary cancer-predisposing syndrome. Last evaluated: 2021-08-25. Review status: criteria provided, single submitter. Criteria: Sema4 Curation Guidelines. Collection method: curation. Allele origin: germline.
Comment: The NF1 c.3550A>C (p.T1184P) variant has not been reported in the literature to our knowledge. This variant is not reported in the population database Genome Aggregation Database (PMID: 32461654), nor in ClinVar. In silico tools suggest the impact of the variant on protein function is deleterious, though these predictions have not been confirmed by functional studies. The evidence is insufficient to meet ACMG/AMP criteria for classifying the variant as benign or pathogenic. Thus, the clinical significance of this variant is currently uncertain.